The following continues an entry in ClinVar:

NM_000051.4(ATM):c.2119T>C (p.Ser707Pro)

Gene: ATM. ClinVar aggregate classification (germline): Benign/Likely benign. Benign (17); Likely benign (6).

Submissions 29 to 33 of 33:

Clinical Genetics, Academic Medical Center
Classification: Benign. Review status: no assertion criteria provided. Collection method: clinical testing. Allele origin: germline. Affected: yes. Study: VKGL Data-share Consensus. Not counted in ClinVar's aggregate classification.

Department of Pathology and Laboratory Medicine, Sinai Health System
Classification: Likely benign. Review status: no assertion criteria provided. Collection method: clinical testing. Allele origin: unknown. Affected: yes. Observed: 30 variant alleles. Study: The Canadian Open Genetics Repository (COGR). Not counted in ClinVar's aggregate classification.
Comment: The ATM p.Ser707Pro variant was identified in 542 of 44368 proband chromosomes (frequency: 0.0122) from individuals or families with breast and thyroid cancer and was present in 6 of 1000 control chromosomes (frequency: 0.006) from healthy individuals (Dork 2001, Barbazetto 2008, Dombernowsky 2008, Fletcher 2010, Petereit 2013, Spurdle 2002). The variant was also identified in dbSNP (ID: rs4986761) as other, ClinVar (classified as benign by GeneDx, Ambry genetics, Emory genetics, Color Genomics, Invitae), Cosmic (classified as neutral), MutDB (classified as polymorphism), and LOVD 3.0 databases. The variant was not identified in GeneInsight-COGR and ATM-LOVD databases. The variant was identified in control databases in 2208 of 276136 chromosomes at a frequency of 0.007996 increasing the likelihood this could be a low frequency benign variant (Genome Aggregation Consortium Feb 27, 2017). The variant was identified in the following populations at a frequency greater than 1%: European (Non-Finnish) (6 homozygous) in 1508 of 126110 chromosomes (freq: 0.012), Other in 70 of 6438 chromosomes (freq: 0.011). In one study, the p.Ser707Pro variant appeared to be associated with high-risk breast carcinoma, characterized by a positive axillary nodal status and an increased risk of contralateral breast cancer (Dork, 2001). The p.Ser707Pro variant is likely to interfere with secondary and tertiary protein structure, as the exchange of proline for serine introduces a much bulkier side chain and removes a hydroxyl group that possibly participates in hydrogen bonding (Dork, 2001). However, several large population studies have shown that the variant was not associated with an increased breast cancer risk compared with the general population, or overall cancer risk (Barbazetto 2008, Choi 2016, Fletcher 2010, Spurdle 2002). In addition, in their study Thorstenson (2003) found the variant did not segregate with disease. The p.Ser707Pro residue is not conserved in mammals and mammals and the variant amino acid Proline (Pro) is present in several lower organisms, increasing the likelihood that this variant does not have clinical significance. The variant occurs outside of the splicing consensus sequence and in silico or computational prediction software programs (SpliceSiteFinder, MaxEntScan, NNSPLICE, GeneSplicer, HumanSpliceFinder) do not predict a difference in splicing. The variant is located with the Armadillo-type fold functional domain(s), the clinical significance of which cannot be determined. In summary, based on the above information the clinical significance of this variant cannot be determined with certainty at this time although we would lean towards a more benign role for this variant. This variant is classified as likely benign.

Diagnostic Laboratory, Department of Genetics, University Medical Center Groningen
Classification: Benign for Ataxia-telangiectasia syndrome. Review status: no assertion criteria provided. Collection method: clinical testing. Allele origin: germline. Affected: yes. Study: VKGL Data-share Consensus. Not counted in ClinVar's aggregate classification.

Joint Genome Diagnostic Labs from Nijmegen and Maastricht, Radboudumc and MUMC+
Classification: Benign. Review status: no assertion criteria provided. Collection method: clinical testing. Allele origin: germline. Affected: yes. Study: VKGL Data-share Consensus. Not counted in ClinVar's aggregate classification.

Laboratory of Diagnostic Genome Analysis, Leiden University Medical Center (LUMC)
Classification: Likely benign. Review status: no assertion criteria provided. Collection method: clinical testing. Allele origin: germline. Affected: yes. Study: VKGL Data-share Consensus. Not counted in ClinVar's aggregate classification.

Literature cited by the submitters: PubMed 25085752 (cited by Myriad Genetics, Inc.); PubMed 17341484 (cited by Quest Diagnostics Nichols Institute San Juan Capistrano and Athena Diagnostics); PubMed 28076423 (cited by Quest Diagnostics Nichols Institute San Juan Capistrano and Athena Diagnostics); PubMed 28202063 (cited by Quest Diagnostics Nichols Institute San Juan Capistrano and Athena Diagnostics); PubMed 18701470 (cited by Quest Diagnostics Nichols Institute San Juan Capistrano and Athena Diagnostics); PubMed 27153395 (cited by Quest Diagnostics Nichols Institute San Juan Capistrano and Athena Diagnostics); PubMed 11606401 (cited by 3 submitters); PubMed 20826828 (cited by 3 submitters); PubMed 22529920 (cited by 3 submitters); PubMed 15101044 (cited by 3 submitters); PubMed 18565893 (cited by Quest Diagnostics Nichols Institute San Juan Capistrano and Athena Diagnostics); PubMed 12810666 (cited by 3 submitters); PubMed 12673804 (cited by Quest Diagnostics Nichols Institute San Juan Capistrano and Athena Diagnostics); PubMed 18502988 (cited by 3 submitters); PubMed 16167060 (cited by 3 submitters); PubMed 16914028 (cited by Quest Diagnostics Nichols Institute San Juan Capistrano and Athena Diagnostics); PubMed 12673797 (cited by Quest Diagnostics Nichols Institute San Juan Capistrano and Athena Diagnostics); PubMed 17203191 (cited by Quest Diagnostics Nichols Institute San Juan Capistrano and Athena Diagnostics); PubMed 11505391 (cited by Quest Diagnostics Nichols Institute San Juan Capistrano and Athena Diagnostics); PubMed 18164969 (cited by Quest Diagnostics Nichols Institute San Juan Capistrano and Athena Diagnostics); PubMed 12362033 (cited by 3 submitters); PubMed 15039971 (cited by 3 submitters); PubMed 18573109 (cited by Quest Diagnostics Nichols Institute San Juan Capistrano and Athena Diagnostics); PubMed 17393301 (cited by Quest Diagnostics Nichols Institute San Juan Capistrano and Athena Diagnostics); PubMed 12473594 (cited by Quest Diagnostics Nichols Institute San Juan Capistrano and Athena Diagnostics); PubMed 22250480 (cited by Quest Diagnostics Nichols Institute San Juan Capistrano and Athena Diagnostics); PubMed 16652348 (cited by Quest Diagnostics Nichols Institute San Juan Capistrano and Athena Diagnostics); PubMed 19404735 (cited by Quest Diagnostics Nichols Institute San Juan Capistrano and Athena Diagnostics); PubMed 27413114 (cited by Quest Diagnostics Nichols Institute San Juan Capistrano and Athena Diagnostics); PubMed 22927308 (cited by Quest Diagnostics Nichols Institute San Juan Capistrano and Athena Diagnostics); PubMed 14634505 (cited by Quest Diagnostics Nichols Institute San Juan Capistrano and Athena Diagnostics); PubMed 19683821 (cited by Quest Diagnostics Nichols Institute San Juan Capistrano and Athena Diagnostics); PubMed 23075580 (cited by Quest Diagnostics Nichols Institute San Juan Capistrano and Athena Diagnostics); PubMed 17535973 (cited by Quest Diagnostics Nichols Institute San Juan Capistrano and Athena Diagnostics); PubMed 19347964 (cited by Quest Diagnostics Nichols Institute San Juan Capistrano and Athena Diagnostics); PubMed 17490827 (cited by Quest Diagnostics Nichols Institute San Juan Capistrano and Athena Diagnostics); PubMed 12473176 (cited by Quest Diagnostics Nichols Institute San Juan Capistrano and Athena Diagnostics); PubMed 15824150 (cited by Quest Diagnostics Nichols Institute San Juan Capistrano and Athena Diagnostics); PubMed 16112413 (cited by Quest Diagnostics Nichols Institute San Juan Capistrano and Athena Diagnostics); PubMed 25159481 (cited by Quest Diagnostics Nichols Institute San Juan Capistrano and Athena Diagnostics); PubMed 25625042 (cited by Quest Diagnostics Nichols Institute San Juan Capistrano and Athena Diagnostics); PubMed 22438227 (cited by Quest Diagnostics Nichols Institute San Juan Capistrano and Athena Diagnostics); PubMed 23074045 (cited by Quest Diagnostics Nichols Institute San Juan Capistrano and Athena Diagnostics); PubMed 15824023 (cited by Quest Diagnostics Nichols Institute San Juan Capistrano and Athena Diagnostics); PubMed 17517479 (cited by Quest Diagnostics Nichols Institute San Juan Capistrano and Athena Diagnostics); PubMed 19638463 (cited by Quest Diagnostics Nichols Institute San Juan Capistrano and Athena Diagnostics); PubMed 15450731 (cited by Quest Diagnostics Nichols Institute San Juan Capistrano and Athena Diagnostics); PubMed 15756685 (cited by Quest Diagnostics Nichols Institute San Juan Capistrano and Athena Diagnostics); PubMed 22200977 (cited by Quest Diagnostics Nichols Institute San Juan Capistrano and Athena Diagnostics); PubMed 11996792 (cited by Quest Diagnostics Nichols Institute San Juan Capistrano and Athena Diagnostics); PubMed 17351744 (cited by Quest Diagnostics Nichols Institute San Juan Capistrano and Athena Diagnostics); PubMed 12149228 (cited by Quest Diagnostics Nichols Institute San Juan Capistrano and Athena Diagnostics); PubMed 19018867 (cited by Quest Diagnostics Nichols Institute San Juan Capistrano and Athena Diagnostics); PubMed 18634022 (cited by Quest Diagnostics Nichols Institute San Juan Capistrano and Athena Diagnostics); PubMed 11849780 (cited by Quest Diagnostics Nichols Institute San Juan Capistrano and Athena Diagnostics); PubMed 8797579 (cited by Quest Diagnostics Nichols Institute San Juan Capistrano and Athena Diagnostics); PubMed 24728327 (cited by Counsyl and ITMI); PubMed 15880721 (cited by Counsyl).